The following is an entry in ClinVar:

ClinVar aggregate classification (germline): Benign/Likely benign. Review status: criteria provided, multiple submitters, no conflicts (2 of 4 stars). 7 submissions from 7 submitters: Benign (1); Likely benign (4). 2 of the submissions do not count toward it. Last evaluated 2025-11-19.

Conditions:
LDB3-related disorder. Also called: LDB3-related condition.
Myofibrillar myopathy 4. Also called: Zaspopathy (type). Identifiers: Orphanet 98912, MedGen C4721886, MONDO:0012277, OMIM 609452.
Dilated cardiomyopathy 1C (CMD1C). Also called: CARDIOMYOPATHY, DILATED, 1C, WITH OR WITHOUT LEFT VENTRICULAR NONCOMPACTION; Cardiomyopathy, dilated, 1C, with or without LVNC. Identifiers: Orphanet 154, Orphanet 54260, MedGen C1832244, MONDO:0011094, OMIM 601493.
Cardiovascular phenotype. Identifiers: MedGen CN230736.

Allele frequency attached by ClinVar (database versions not stated): TOPMed 0.00001; 1000 Genomes Project 30x 0.00016.
gnomAD v4.1: 145 of 1,613,214 alleles (0.009%); highest among the groups gnomAD compares: South Asian, 0.12%; no homozygotes.

Submissions (7):

Labcorp Genetics (formerly Invitae), Labcorp
Classification: Benign for Myofibrillar myopathy 4. Last evaluated: 2025-11-19. Review status: criteria provided, single submitter. Criteria: Invitae Variant Classification Sherloc (09022015). Collection method: clinical testing. Allele origin: germline.

Blueprint Genetics
Classification: Likely benign. Last evaluated: 2023-11-08. Review status: criteria provided, single submitter. Criteria: ACMG Guidelines, 2015. Collection method: clinical testing. Allele origin: germline.

Ambry Genetics
Classification: Likely benign for Cardiovascular phenotype. Last evaluated: 2020-04-13. Review status: criteria provided, single submitter. Criteria: Ambry Variant Classification Scheme 2023. Collection method: clinical testing. Allele origin: germline.

GeneDx
Classification: Likely benign. Last evaluated: 2020-03-27. Review status: criteria provided, single submitter. Criteria: GeneDx Variant Classification Process June 2021. Collection method: clinical testing. Allele origin: germline. Affected: yes.

Laboratory for Molecular Medicine, Mass General Brigham Personalized Medicine
Classification: Likely benign. Last evaluated: 2015-06-11. Review status: criteria provided, single submitter. Criteria: LMM Criteria. Collection method: clinical testing. Allele origin: germline. Observed: 1 variant allele.
Comment: p.Ala389Ala in exon 11 of LDB3: This variant is not expected to have clinical si gnificance because it does not alter an amino acid residue and is not located wi thin the splice consensus sequence. It has been identified in 0.2% (25/16416) of South Asian chromosomes by the Exome Aggregation Consortium (ExAC.; dbSNP rs768844187).

PreventionGenetics, part of Exact Sciences
Classification: Likely benign for LDB3-related condition. Last evaluated: 2019-06-05. Review status: no assertion criteria provided. Collection method: clinical testing. Allele origin: germline. Not counted in ClinVar's aggregate classification.
Comment: This variant is classified as likely benign based on ACMG/AMP sequence variant interpretation guidelines (Richards et al. 2015 PMID: 25741868, with internal and published modifications).

Cytogenetics- Mohapatra Lab, Banaras Hindu University
Classification: Uncertain significance for Dilated cardiomyopathy 1C. Last evaluated: 2014-12-15. Review status: no assertion criteria provided. Collection method: case-control. Allele origin: unknown. Affected: yes. Observed: 1 variant allele. Not counted in ClinVar's aggregate classification.

NM_007078.3(LDB3):c.1167C>T (p.Ala389=)

Gene: LDB3 (LIM domain binding 3; plus strand). Cytogenetic location: 10q23.2.
Variant type: single nucleotide variant.
Coding change: c.1167C>T on transcript NM_007078.3 (MANE Select); coding-DNA position 1167, C replaced by T.
Protein change: p.Ala389=; no amino-acid change (alanine 389 retained).
Molecular consequence: synonymous variant. On other transcripts: genic downstream transcript variant (1).
Genome position (GRCh38, 1-based): chr10:86,709,986, C>T. VCF-style: chr10-86709986-C-T. GRCh37 (hg19) VCF-style: chr10-88469743-C-T.
Other names: c.*10612C>T (NM_001080116.1); c.837C>T, p.Ala279= (NM_001080114.2); c.1182C>T, p.Ala394= (NM_001171610.2); c.978C>T, p.Ala326= (NM_001368064.1, NM_001368065.1); c.1026C>T, p.Ala342= (NM_001368066.1); c.837C>T (NM_001080114.1).
Identifiers: ClinVar variation 227496 (VCV000227496.25), dbSNP rs768844187, ClinGen allele CA5585071.
Genomic context (GRCh38, chr10:86,709,986, plus strand): 5'-CCCCGCAGTGGCCGCCTCTTCAGCACCTGCCACCCACACCAGCTACAGTGAGGGCCCCGC[C>T]GCCCCTGCACCCAAGCCCCGGGTTGTCACCACTGCCAGCATCCGGCCTTCTGTCTACCAG-3'
Protein context (NP_009009.1, residues 379-399): ATHTSYSEGP[Ala389=]APAPKPRVVT